The following is an entry in ClinVar:

NM_001142864.4(PIEZO1):c.6657T>C (p.Tyr2219=)

Gene: PIEZO1 (piezo type mechanosensitive ion channel component 1 (Er blood group); minus strand). Cytogenetic location: 16q24.3.
Variant type: single nucleotide variant.
Coding change: c.6657T>C on transcript NM_001142864.4 (MANE Select); coding-DNA position 6657, T replaced by C.
Protein change: p.Tyr2219=; no amino-acid change (tyrosine 2219 retained).
Molecular consequence: synonymous variant.
Genome position (GRCh38, 1-based): chr16:88,717,026, A>G on the plus strand (T>C on the coding strand, the complement: PIEZO1 is on the minus strand). VCF-style: chr16-88717026-A-G. GRCh37 (hg19) VCF-style: chr16-88783434-A-G.
Other names: p.Tyr2219=.
Identifiers: ClinVar variation 710404 (VCV000710404.4), dbSNP rs774233361, ClinGen allele CA286406845.

ClinVar aggregate classification (germline): Likely benign. Review status: criteria provided, multiple submitters, no conflicts (2 of 4 stars). 2 submissions from 2 submitters: Likely benign (2). Last evaluated 2025-09-10.

Allele frequency attached by ClinVar (database versions not stated): gnomAD 0.00006; gnomAD exomes 0.00001; TOPMed 0.00008.
gnomAD v4.1: 33 of 1,550,504 alleles (0.0021%); highest among the groups gnomAD compares: African/African-American, 0.033%; no homozygotes.

Submissions (2):

Mayo Clinic Laboratories, Mayo Clinic
Classification: Likely benign. Last evaluated: 2025-09-10. Review status: criteria provided, single submitter. Criteria: ACMG Guidelines, 2015. Collection method: clinical testing. Allele origin: germline. Observed: 1 variant allele.
Comment: BP4, BP7

Labcorp Genetics (formerly Invitae), Labcorp
Classification: Likely benign. Last evaluated: 2017-11-14. Review status: criteria provided, single submitter. Criteria: Invitae Variant Classification Sherloc (09022015). Collection method: clinical testing. Allele origin: germline.